The following is an entry in ClinVar:

NM_000264.5(PTCH1):c.11C>T (p.Ala4Val)

Genes: PTCH1 (patched 1; minus strand), LOC130002133 (ATAC-STARR-seq lymphoblastoid silent region 20071; plus strand). Cytogenetic location: 9q22.32.
Variant type: single nucleotide variant.
Coding change: c.11C>T on transcript NM_000264.5 (MANE Select); coding-DNA position 11, C replaced by T.
Protein change: p.Ala4Val; replaces alanine 4 with valine.
Molecular consequence: missense variant. On other transcripts: non-coding transcript variant (1), intron variant (3).
Genome position (GRCh38, 1-based): chr9:95,508,351, G>A on the plus strand (C>T on the coding strand, the complement: PTCH1 is on the minus strand). VCF-style: chr9-95508351-G-A. GRCh37 (hg19) VCF-style: chr9-98270633-G-A.
Other names: c.11C>T, p.Ala4Val (NM_001354918.2); c.199-1752C>T (NM_001083603.3); c.4-1752C>T (NM_001083602.3, NM_001354919.2); short protein forms A4V.
Identifiers: ClinVar variation 642790 (VCV000642790.10), dbSNP rs540045689, ClinGen allele CA374121752.

ClinVar aggregate classification (germline): Uncertain significance. Review status: criteria provided, multiple submitters, no conflicts (2 of 4 stars). 2 submissions from 2 submitters: Uncertain significance (2). Last evaluated 2025-12-29.

Conditions:
Gorlin syndrome. Also called: Basal cell nevus syndrome; Nevoid Basal Cell Carcinoma Syndrome. Identifiers: Orphanet 377, MedGen C0004779, MONDO:0007187.

Submissions (2):

Center for Genomic Medicine, Rigshospitalet, Copenhagen University Hospital
Classification: Uncertain significance. Last evaluated: 2025-12-29. Review status: criteria provided, single submitter. Criteria: ACMG Guidelines, 2015. Collection method: clinical testing. Allele origin: germline.

Labcorp Genetics (formerly Invitae), Labcorp
Classification: Uncertain significance for Gorlin syndrome. Last evaluated: 2022-06-07. Review status: criteria provided, single submitter. Criteria: Invitae Variant Classification Sherloc (09022015). Collection method: clinical testing. Allele origin: germline.
Comment: This variant has not been reported in the literature in individuals affected with PTCH1-related conditions. ClinVar contains an entry for this variant (Variation ID: 642790). Advanced modeling of protein sequence and biophysical properties (such as structural, functional, and spatial information, amino acid conservation, physicochemical variation, residue mobility, and thermodynamic stability) performed at Invitae indicates that this missense variant is not expected to disrupt PTCH1 protein function. Algorithms developed to predict the effect of sequence changes on RNA splicing suggest that this variant may create or strengthen a splice site. In summary, the available evidence is currently insufficient to determine the role of this variant in disease. Therefore, it has been classified as a Variant of Uncertain Significance. This sequence change replaces alanine, which is neutral and non-polar, with valine, which is neutral and non-polar, at codon 4 of the PTCH1 protein (p.Ala4Val). This variant is not present in population databases (gnomAD no frequency).